The following is an entry in ClinVar:

ClinVar aggregate classification (germline): Uncertain significance (1 of 4 stars; one submission).

Allele frequency attached by ClinVar (database versions not stated): TOPMed below 0.00001; gnomAD exomes 0.00002.

Submission:

GeneDx
Classification: Uncertain significance. Last evaluated: 2022-09-21. Review status: criteria provided, single submitter. Criteria: GeneDx Variant Classification Process June 2021. Collection method: clinical testing. Allele origin: germline. Affected: yes.
Comment: In-frame insertion of 2 amino acids in a repetitive region with no known function; Not observed at significant frequency in large population cohorts (gnomAD); Has not been previously published as pathogenic or benign to our knowledge

NM_005647.4(TBL1X):c.499_504dup (p.Ala168_Thr169insAlaAla)

Gene: TBL1X (transducin beta like 1 X-linked; plus strand). Cytogenetic location: Xp22.2.
Variant type: Duplication.
Coding change: c.499_504dup on transcript NM_005647.4 (MANE Select); coding-DNA positions 499 to 504, 6 bases duplicated (GCGGCC; older notation c.499_504dupGCGGCC).
Protein change: p.Ala168_Thr169insAlaAla.
Molecular consequence: inframe insertion.
Genome position (GRCh38, 1-based): chrX:9,688,158-9,688,163, GCGGCC duplicated. VCF-style (leftmost placement, unchanged base first): chrX-9688157-T-TGCGGCC. GRCh37 (hg19) VCF-style: chrX-9656197-T-TGCGGCC.
Other names: c.499_504dup, p.Ala168_Thr169insAlaAla (NM_001139466.1); c.346_351dup, p.Ala117_Thr118insAlaAla (NM_001139467.1, NM_001139468.1).
Identifiers: ClinVar variation 2446128 (VCV002446128.1), dbSNP rs1197487342, ClinGen allele CA880027844.